The following is an entry in ClinVar:

ClinVar aggregate classification (germline): Uncertain significance (1 of 4 stars; one submission).

Conditions:
Cognitive impairment - coarse facies - heart defects - obesity - pulmonary involvement - short stature - skeletal dysplasia syndrome. Also called: AFF4-Related CHOPS Syndrome; COGNITIVE IMPAIRMENT, COARSE FACIES, HEART DEFECTS, OBESITY, PULMONARY INVOLVEMENT, SHORT STATURE, AND SKELETAL DYSPLASIA; Chops syndrome. Identifiers: Orphanet 444077, MedGen C4085597, MONDO:0014609, OMIM 616368.

Submission:

Labcorp Genetics (formerly Invitae), Labcorp
Classification: Uncertain significance for Cognitive impairment - coarse facies - heart defects - obesity - pulmonary involvement - short stature - skeletal dysplasia syndrome. Last evaluated: 2017-12-16. Review status: criteria provided, single submitter. Criteria: Invitae Variant Classification Sherloc (09022015). Collection method: clinical testing. Allele origin: germline.
Comment: In summary, the available evidence is currently insufficient to determine the role of this variant in disease. Therefore, it has been classified as a Variant of Uncertain Significance. The current clinical and genetic evidence is not sufficient to establish whether loss-of-function variants in AFF4 cause disease. Algorithms developed to predict the effect of sequence changes on RNA splicing suggest that this variant may disrupt the consensus splice site, but this prediction has not been confirmed by published transcriptional studies. This variant has not been reported in the literature in individuals with AFF4-related disease. This variant is not present in population databases (ExAC no frequency). This sequence change affects a donor splice site in intron 18 of the AFF4 gene. It is expected to disrupt RNA splicing and likely results in an absent or disrupted protein product.

NM_014423.4(AFF4):c.3099+2T>C

Gene: AFF4 (ALF transcription elongation factor 4; minus strand). Cytogenetic location: 5q31.1.
Variant type: single nucleotide variant.
Coding change: c.3099+2T>C on transcript NM_014423.4 (MANE Select); the canonical splice donor site of the intron after coding-DNA position 3099, T replaced by C.
Molecular consequence: splice donor variant.
Genome position (GRCh38, 1-based): chr5:132,886,308, A>G on the plus strand (T>C on the coding strand, the complement: AFF4 is on the minus strand). VCF-style: chr5-132886308-A-G. GRCh37 (hg19) VCF-style: chr5-132222000-A-G.
Identifiers: ClinVar variation 542217 (VCV000542217.7), dbSNP rs1554073525, ClinGen allele CA360969044.
Genomic context (GRCh38, chr5:132,886,308, plus strand): 5'-GGGGATGGGAGACTACAAATTCTGTCTCCTAGGAAACGGACCTTGTGCTTTTGCATACTT[A>G]CCTTCAGGTGCTCTGTCAGTGTCTTTGAGTACTTCAGAGCATTTTCCTTCTTCAGTTTGA-3'